The following is an entry in ClinVar:

ClinVar aggregate classification (germline): Uncertain significance (1 of 4 stars; one submission).

Conditions:
Singleton-Merten syndrome 1 (SGMRT1). Also called: Widened medullary cavities of bone, aortic calcification, abnormal dentition, and muscular weakness; Syndrome of widened medullary cavities of the metacarpals and phalanges, aortic calcification and abnormal dentition. Identifiers: Orphanet 85191, MedGen C4225427, MONDO:0024535, OMIM 182250.
Aicardi-Goutieres syndrome 7 (AGS7). Identifiers: Orphanet 51, MedGen C3888244, MONDO:0014367, OMIM 615846.

Submission:

Labcorp Genetics (formerly Invitae), Labcorp
Classification: Uncertain significance for Aicardi-Goutieres syndrome 7; Singleton-Merten syndrome 1. Last evaluated: 2022-10-14. Review status: criteria provided, single submitter. Criteria: Invitae Variant Classification Sherloc (09022015). Collection method: clinical testing. Allele origin: germline.
Comment: This missense change has been observed in at least one individual who was not affected with IFIH1-related conditions (Invitae). This variant has not been reported in the literature in individuals affected with IFIH1-related conditions. This variant is not present in population databases (gnomAD no frequency). This sequence change replaces histidine, which is basic and polar, with arginine, which is basic and polar, at codon 603 of the IFIH1 protein (p.His603Arg). Advanced modeling of protein sequence and biophysical properties (such as structural, functional, and spatial information, amino acid conservation, physicochemical variation, residue mobility, and thermodynamic stability) has been performed at Invitae for this missense variant, however the output from this modeling did not meet the statistical confidence thresholds required to predict the impact of this variant on IFIH1 protein function. In summary, the available evidence is currently insufficient to determine the role of this variant in disease. Therefore, it has been classified as a Variant of Uncertain Significance.

NM_022168.4(IFIH1):c.1808A>G (p.His603Arg)

Gene: IFIH1 (interferon induced with helicase C domain 1; minus strand). Cytogenetic location: 2q24.2.
Variant type: single nucleotide variant.
Coding change: c.1808A>G on transcript NM_022168.4 (MANE Select); coding-DNA position 1808, A replaced by G.
Protein change: p.His603Arg; replaces histidine 603 with arginine.
Molecular consequence: missense variant.
Genome position (GRCh38, 1-based): chr2:162,277,651, T>C on the plus strand (A>G on the coding strand, the complement: IFIH1 is on the minus strand). VCF-style: chr2-162277651-T-C. GRCh37 (hg19) VCF-style: chr2-163134161-T-C.
Other names: short protein forms H603R.
Identifiers: ClinVar variation 2000278 (VCV002000278.4), dbSNP rs2468959524, ClinGen allele CA348999758.
Genomic context (GRCh38, chr2:162,277,651, plus strand): 5'-TACGCATCTATCATTCGAATTGTGTCATTAATTTGTAGGGCCTCATTGTACTTCCTCAAA[T>C]GTTCTGCACAAACACGTTCTTTGCGATTTCCTTCTTTTGCAGCTGTGAAAAAATATATTA-3'
Protein context (NP_071451.2, residues 593-613): GNRKERVCAE[His603Arg]LRKYNEALQI